The following is an entry in ClinVar:

NM_138694.4(PKHD1):c.7378A>T (p.Lys2460Ter)

Gene: PKHD1 (PKHD1 ciliary IPT domain containing fibrocystin/polyductin; minus strand). Cytogenetic location: 6p12.2.
Variant type: single nucleotide variant.
Coding change: c.7378A>T on transcript NM_138694.4 (MANE Select); coding-DNA position 7378, A replaced by T.
Protein change: p.Lys2460Ter; replaces lysine 2460 with a stop codon.
Molecular consequence: nonsense.
Genome position (GRCh38, 1-based): chr6:51,870,612, T>A on the plus strand (A>T on the coding strand, the complement: PKHD1 is on the minus strand). VCF-style: chr6-51870612-T-A. GRCh37 (hg19) VCF-style: chr6-51735410-T-A.
Other names: c.7378A>T, p.Lys2460Ter (NM_170724.3); short protein forms K2460*.
Identifiers: ClinVar variation 1724120 (VCV001724120.2), dbSNP rs2536021484, ClinGen allele CA364419769.
Genomic context (GRCh38, chr6:51,870,612, plus strand): 5'-TGAGATCAAAATTAACAAAGGTTGTGTTAGACACCATCAGTTCCCATCTTTTAGGAGTTT[T>A]AATCCCAGATGACATACACAGACTTCCCTGTGATTTAAAAGAAAAAAAGATGAAAGCAAA-3'

ClinVar aggregate classification (germline): Likely pathogenic (1 of 4 stars; one submission).

Conditions:
Polycystic kidney disease 4 (PKD4). Also called: POLYCYSTIC KIDNEY AND HEPATIC DISEASE 1; POLYCYSTIC KIDNEY DISEASE, INFANTILE, TYPE I; POLYCYSTIC KIDNEY DISEASE 4 WITH OR WITHOUT POLYCYSTIC LIVER DISEASE; PKD3; Autosomal Recessive Polycystic Kidney Disease – PKHD1. Identifiers: MedGen C4540575, MONDO:0033004, OMIM 263200.

Submission:

Myriad Genetics, Inc.
Classification: Likely pathogenic for Polycystic kidney disease 4. Last evaluated: 2022-05-04. Review status: criteria provided, single submitter. Criteria: Myriad Women's Health Autosomal Recessive and X-Linked Classification Criteria (2021). Collection method: clinical testing. Allele origin: unknown.
Comment: NM_138694.3(PKHD1):c.7378A>T(K2460*) is expected to be pathogenic in the context of autosomal recessive polycystic kidney disease, PKHD1-related. This variant is predicted to lead to an abnormal or absent protein product due to the creation of a premature termination codon in PKHD1, a gene where loss-of-function variants are known to be pathogenic. Please note: this variant was assessed in the context of healthy population screening.